The following is an entry in ClinVar:

NM_014244.5(ADAMTS2):c.3080C>T (p.Pro1027Leu)

Gene: ADAMTS2 (ADAM metallopeptidase with thrombospondin type 1 motif 2; minus strand). Cytogenetic location: 5q35.3.
Variant type: single nucleotide variant.
Coding change: c.3080C>T on transcript NM_014244.5 (MANE Select); coding-DNA position 3080, C replaced by T.
Protein change: p.Pro1027Leu; replaces proline 1027 with leucine.
Molecular consequence: missense variant.
Genome position (GRCh38, 1-based): chr5:179,122,652, G>A on the plus strand (C>T on the coding strand, the complement: ADAMTS2 is on the minus strand). VCF-style: chr5-179122652-G-A. GRCh37 (hg19) VCF-style: chr5-178549653-G-A.
Other names: short protein forms P1027L.
Identifiers: ClinVar variation 857031 (VCV000857031.13), dbSNP rs1340671554, ClinGen allele CA362417751.

ClinVar aggregate classification (germline): Uncertain significance. Review status: criteria provided, single submitter (1 of 4 stars). 2 submissions from 2 submitters: Uncertain significance (1). 1 of the submissions does not count toward it. Last evaluated 2019-08-24.

Conditions:
Ehlers-Danlos syndrome, dermatosparaxis type. Also called: EDS VIIC; Ehlers-Danlos syndrome, type VII, autosomal recessive; Dermatosparaxis. Identifiers: Orphanet 1901, MedGen C2700425, MONDO:0009161, OMIM 225410.

Allele frequency attached by ClinVar (database versions not stated): gnomAD exomes below 0.00001; TOPMed below 0.00001.
gnomAD v4.1: 1 of 1,551,118 alleles (0.000064%); highest among the groups gnomAD compares: Non-Finnish European, 0.000087%; no homozygotes.

Submissions (2):

Labcorp Genetics (formerly Invitae), Labcorp
Classification: Uncertain significance for Ehlers-Danlos syndrome, dermatosparaxis type. Last evaluated: 2019-08-24. Review status: criteria provided, single submitter. Criteria: Invitae Variant Classification Sherloc (09022015). Collection method: clinical testing. Allele origin: germline.
Comment: In summary, the available evidence is currently insufficient to determine the role of this variant in disease. Therefore, it has been classified as a Variant of Uncertain Significance. Algorithms developed to predict the effect of missense changes on protein structure and function output the following: SIFT: "Tolerated"; PolyPhen-2: "Benign"; Align-GVGD: "Class C0". The leucine amino acid residue is found in multiple mammalian species, suggesting that this missense change does not adversely affect protein function. These predictions have not been confirmed by published functional studies and their clinical significance is uncertain. This variant has not been reported in the literature in individuals with ADAMTS2-related conditions. This variant is not present in population databases (ExAC no frequency). This sequence change replaces proline with leucine at codon 1027 of the ADAMTS2 protein (p.Pro1027Leu). The proline residue is highly conserved and there is a moderate physicochemical difference between proline and leucine.

Natera, Inc.
Classification: Uncertain significance for Ehlers-Danlos syndrome type VIIC. Last evaluated: 2021-10-15. Review status: no assertion criteria provided. Collection method: clinical testing. Allele origin: germline. Not counted in ClinVar's aggregate classification.